The following is an entry in ClinVar:

ClinVar aggregate classification (germline): Uncertain significance (1 of 4 stars; one submission).

Conditions:
Hereditary cancer-predisposing syndrome. Also called: Hereditary Cancer Syndrome; Neoplastic Syndromes, Hereditary; Tumor predisposition; Hereditary neoplastic syndrome. Identifiers: Orphanet 140162, MedGen C0027672, MeSH D009386, MONDO:0015356.

Submission:

Ambry Genetics
Classification: Uncertain significance for Hereditary cancer-predisposing syndrome. Last evaluated: 2022-11-01. Review status: criteria provided, single submitter. Criteria: Ambry Variant Classification Scheme 2023. Collection method: clinical testing. Allele origin: germline.
Comment: The p.D125E variant (also known as c.375T>G), located in coding exon 2 of the CDKN2A gene, results from a T to G substitution at nucleotide position 375. The aspartic acid at codon 125 is replaced by glutamic acid, an amino acid with highly similar properties. This amino acid position is not well conserved in available vertebrate species. In addition, this alteration is predicted to be tolerated by in silico analysis. Since supporting evidence is limited at this time, the clinical significance of this alteration remains unclear.

NM_000077.5(CDKN2A):c.375T>G (p.Asp125Glu)

Gene: CDKN2A (cyclin dependent kinase inhibitor 2A; minus strand). Cytogenetic location: 9p21.3.
Variant type: single nucleotide variant.
Coding change: c.375T>G on transcript NM_000077.5; coding-DNA position 375, T replaced by G.
Protein change: p.Asp125Glu; replaces aspartic acid 125 with glutamic acid.
Molecular consequence: missense variant (on NM_000077.6). On other transcripts: 3 prime UTR variant (2).
Genome position (GRCh38, 1-based): chr9:21,970,984, A>C on the plus strand (T>G on the coding strand, the complement: CDKN2A is on the minus strand). VCF-style: chr9-21970984-A-C. GRCh37 (hg19) VCF-style: chr9-21970983-A-C.
Other names: c.375T>G, p.Asp125Glu (NM_000077.6, NM_001195132.2); c.222T>G, p.Asp74Glu (NM_001363763.2); c.*19T>G (NM_058195.4); c.*298T>G (NM_058197.5); short protein forms D74E, D125E.
Identifiers: ClinVar variation 2497223 (VCV002497223.2), dbSNP rs1290057397, ClinGen allele CA373085957.
Genomic context (GRCh38, chr9:21,970,984, plus strand): 5'-TATGCGGGCATGGTTACTGCCTCTGGTGCCCCCCGCAGCCGCGCGCAGGTACCGTGCGAC[A>C]TCGCGATGGCCCAGCTCCTCAGCCAGGTCCACGGGCAGACGGCCCCAGGCATCGCGCACG-3'
Protein context (NP_000068.1, residues 115-135): VDLAEELGHR[Asp125Glu]VARYLRAAAG